The following is an entry in ClinVar:

ClinVar aggregate classification (germline): Uncertain significance (1 of 4 stars; one submission).

gnomAD v4.1: 3 of 1,612,728 alleles (0.00019%); highest among the groups gnomAD compares: Non-Finnish European, 0.00025%; no homozygotes.

Submission:

Labcorp Genetics (formerly Invitae), Labcorp
Classification: Uncertain significance. Last evaluated: 2024-12-09. Review status: criteria provided, single submitter. Criteria: Invitae Variant Classification Sherloc (09022015). Collection method: clinical testing. Allele origin: germline.
Comment: This sequence change replaces arginine, which is basic and polar, with leucine, which is neutral and non-polar, at codon 230 of the CLUAP1 protein (p.Arg230Leu). This variant is not present in population databases (gnomAD no frequency). This variant has not been reported in the literature in individuals affected with CLUAP1-related conditions. ClinVar contains an entry for this variant (Variation ID: 1498903). Invitae Evidence Modeling of protein sequence and biophysical properties (such as structural, functional, and spatial information, amino acid conservation, physicochemical variation, residue mobility, and thermodynamic stability) indicates that this missense variant is expected to disrupt CLUAP1 protein function with a positive predictive value of 80%. In summary, the available evidence is currently insufficient to determine the role of this variant in disease. Therefore, it has been classified as a Variant of Uncertain Significance.

NM_015041.3(CLUAP1):c.689G>T (p.Arg230Leu)

Gene: CLUAP1 (clusterin associated protein 1; plus strand). Cytogenetic location: 16p13.3.
Variant type: single nucleotide variant.
Coding change: c.689G>T on transcript NM_015041.3 (MANE Select); coding-DNA position 689, G replaced by T.
Protein change: p.Arg230Leu; replaces arginine 230 with leucine.
Molecular consequence: missense variant.
Genome position (GRCh38, 1-based): chr16:3,520,012, G>T. VCF-style: chr16-3520012-G-T. GRCh37 (hg19) VCF-style: chr16-3570012-G-T.
Other names: c.191G>T, p.Arg64Leu (NM_024793.3); c.689G>T, p.Arg230Leu (NM_001330454.2); short protein forms R64L, R230L.
Identifiers: ClinVar variation 1498903 (VCV001498903.6), dbSNP rs866824176, ClinGen allele CA394513364.